The following is an entry in ClinVar:

ClinVar aggregate classification (germline): Uncertain significance. Review status: criteria provided, multiple submitters, no conflicts (2 of 4 stars). 6 submissions from 6 submitters: Uncertain significance (4). 2 of the submissions do not count toward it. Last evaluated 2025-08-18.

Conditions:
Hereditary cancer-predisposing syndrome. Also called: Neoplastic Syndromes, Hereditary; Hereditary Cancer Syndrome; Tumor predisposition; Hereditary neoplastic syndrome. Identifiers: Orphanet 140162, MedGen C0027672, MeSH D009386, MONDO:0015356.
Ataxia-telangiectasia syndrome (AT). Also called: LOUIS-BAR SYNDROME; Ataxia-telangiectasia, complementation group D; AT, COMPLEMENTATION GROUP C; Ataxia-telangiectasia, complementation group E; Ataxia telangiectasia (A-T); Cerebello-oculocutaneous telangiectasia. Identifiers: Orphanet 100, MedGen C0004135, MONDO:0008840, OMIM 208900.
ATM-related disorder. Also called: ATM-related disorders; ATM-related condition.

Allele frequency attached by ClinVar (database versions not stated): gnomAD exomes below 0.00001.
gnomAD v4.1: 1 of 1,612,586 alleles (0.000062%); highest among the groups gnomAD compares: Non-Finnish European, 0.000085%; no homozygotes.

Submissions (6):

Labcorp Genetics (formerly Invitae), Labcorp
Classification: Uncertain significance for Ataxia-telangiectasia syndrome. Last evaluated: 2025-08-18. Review status: criteria provided, single submitter. Criteria: Invitae Variant Classification Sherloc (09022015). Collection method: clinical testing. Allele origin: germline.
Comment: This sequence change replaces threonine, which is neutral and polar, with arginine, which is basic and polar, at codon 373 of the ATM protein (p.Thr373Arg). This variant is not present in population databases (gnomAD no frequency). This missense change has been observed in individual(s) with breast cancer (PMID: 30287823). ClinVar contains an entry for this variant (Variation ID: 231636). Invitae Evidence Modeling of protein sequence and biophysical properties (such as structural, functional, and spatial information, amino acid conservation, physicochemical variation, residue mobility, and thermodynamic stability) indicates that this missense variant is not expected to disrupt ATM protein function with a negative predictive value of 95%. RNA analysis performed to evaluate the impact of this missense change on mRNA splicing indicates it does not significantly alter splicing (internal data). In summary, the available evidence is currently insufficient to determine the role of this variant in disease. Therefore, it has been classified as a Variant of Uncertain Significance.

Blueprint Genetics
Classification: Uncertain significance. Last evaluated: 2024-04-09. Review status: criteria provided, single submitter. Criteria: ACMG Guidelines, 2015. Collection method: clinical testing. Allele origin: germline.

Ambry Genetics
Classification: Uncertain significance for Hereditary cancer-predisposing syndrome. Last evaluated: 2023-10-02. Review status: criteria provided, single submitter. Criteria: Ambry Variant Classification Scheme 2023. Collection method: clinical testing. Allele origin: germline.
Comment: The p.T373R variant (also known as c.1118C>G), located in coding exon 8 of the ATM gene, results from a C to G substitution at nucleotide position 1118. The threonine at codon 373 is replaced by arginine, an amino acid with similar properties. This alteration has been reported with a carrier frequency of 0.00014 in 7051 unselected breast cancer patients and was not present in 11241 female controls of Japanese ancestry (Momozawa Y et al. Nat Commun, 2018 10;9:4083). This variant was also reported in 1/60,466 breast cancer cases and in 0/53,461 controls (Dorling et al. N Engl J Med. 2021 02;384:428-439). This amino acid position is well conserved in available vertebrate species. In addition, this alteration is predicted to be tolerated by in silico analysis. Since supporting evidence is limited at this time, the clinical significance of this alteration remains unclear.

Color Diagnostics, LLC DBA Color Health
Classification: Uncertain significance for Hereditary cancer-predisposing syndrome. Last evaluated: 2023-09-12. Review status: criteria provided, single submitter. Criteria: ACMG Guidelines, 2015. Collection method: clinical testing. Allele origin: germline.
Comment: This missense variant replaces threonine with arginine at codon 373 of the ATM protein. Computational prediction suggests that this variant may not impact protein structure and function (internally defined REVEL score threshold <= 0.5, PMID: 27666373). To our knowledge, functional studies have not been reported for this variant. This variant has been reported in individuals affected with breast cancer (PMID: 30287823, 33471991; Color Health internal data). This variant has not been identified in the general population by the Genome Aggregation Database (gnomAD). The available evidence is insufficient to determine the role of this variant in disease conclusively. Therefore, this variant is classified as a Variant of Uncertain Significance.

PreventionGenetics, part of Exact Sciences
Classification: Uncertain significance for ATM-related condition. Last evaluated: 2024-02-09. Review status: no assertion criteria provided. Collection method: clinical testing. Allele origin: germline. Not counted in ClinVar's aggregate classification.
Comment: The ATM c.1118C>G variant is predicted to result in the amino acid substitution p.Thr373Arg. In addition, this variant has been reported in one case of breast cancer in a cohort study of breast cancer patients (Breast Cancer Association Consortium et al. 2021. PubMed ID: 33471991). This variant has not been reported in a large population database, indicating this variant is rare. This variant is interpreted as uncertain in ClinVar. At this time, the clinical significance of this variant is uncertain due to the absence of conclusive functional and genetic evidence.

Natera, Inc.
Classification: Uncertain significance for Ataxia-telangiectasia. Last evaluated: 2021-06-28. Review status: no assertion criteria provided. Collection method: clinical testing. Allele origin: germline. Not counted in ClinVar's aggregate classification.

Literature cited by the submitters: PubMed 30287823 (cited by 3 submitters); PubMed 33471991 (cited by Ambry Genetics and Color Diagnostics, LLC DBA Color Health).

NM_000051.4(ATM):c.1118C>G (p.Thr373Arg)

Gene: ATM (ATM serine/threonine kinase; plus strand). Cytogenetic location: 11q22.3.
Variant type: single nucleotide variant.
Coding change: c.1118C>G on transcript NM_000051.4 (MANE Select); coding-DNA position 1118, C replaced by G.
Protein change: p.Thr373Arg; replaces threonine 373 with arginine.
Molecular consequence: missense variant.
Genome position (GRCh38, 1-based): chr11:108,248,985, C>G. VCF-style: chr11-108248985-C-G. GRCh37 (hg19) VCF-style: chr11-108119712-C-G.
Other names: c.1118C>G, p.Thr373Arg (NM_001351834.2); short protein forms T373R.
Identifiers: ClinVar variation 231636 (VCV000231636.25), dbSNP rs876659275, ClinGen allele CA10578993.